The following is an entry in ClinVar:

ClinVar aggregate classification (germline): Likely benign. Review status: criteria provided, single submitter (1 of 4 stars). 2 submissions from 2 submitters: Likely benign (1). 1 of the submissions does not count toward it. Last evaluated 2023-08-11.

Conditions:
SH2B1-related disorder. Also called: SH2B1-related condition.

Allele frequency attached by ClinVar (database versions not stated): gnomAD exomes 0.00001; gnomAD 0.00015; TOPMed 0.00020.
gnomAD v4.1: 38 of 1,535,952 alleles (0.0025%); highest among the groups gnomAD compares: African/African-American, 0.046%; no homozygotes.

Submissions (2):

Labcorp Genetics (formerly Invitae), Labcorp
Classification: Likely benign. Last evaluated: 2023-08-11. Review status: criteria provided, single submitter. Criteria: Invitae Variant Classification Sherloc (09022015). Collection method: clinical testing. Allele origin: germline.

PreventionGenetics, part of Exact Sciences
Classification: Likely benign for SH2B1-related condition. Last evaluated: 2019-10-17. Review status: no assertion criteria provided. Collection method: clinical testing. Allele origin: germline. Not counted in ClinVar's aggregate classification.
Comment: This variant is classified as likely benign based on ACMG/AMP sequence variant interpretation guidelines (Richards et al. 2015 PMID: 25741868, with internal and published modifications).

NM_001387430.1(SH2B1):c.2091G>A (p.Glu697=)

Gene: SH2B1 (SH2B adaptor protein 1; plus strand). Cytogenetic location: 16p11.2.
Variant type: single nucleotide variant.
Coding change: c.2091G>A on transcript NM_001387430.1 (MANE Select); coding-DNA position 2091, G replaced by A.
Protein change: p.Glu697=; no amino-acid change (glutamic acid 697 retained).
Molecular consequence: synonymous variant. On other transcripts: 3 prime UTR variant (5).
Genome position (GRCh38, 1-based): chr16:28,873,640, G>A. VCF-style: chr16-28873640-G-A. GRCh37 (hg19) VCF-style: chr16-28884961-G-A.
Other names: c.2091G>A (NM_001145795.1); c.2091G>A, p.Glu697= (NM_001145795.2, NM_001308293.2, NM_001387404.1); c.*175G>A (NM_001145796.2, NM_001145812.2, NM_001308294.2 and 1 more transcripts); c.*192G>A (NM_001145797.2).
Identifiers: ClinVar variation 2721048 (VCV002721048.5), dbSNP rs969999842, ClinGen allele CA279223647.